The following is an entry in ClinVar:

ClinVar aggregate classification (germline): Likely benign (0 of 4 stars; one submission).

Conditions:
DPH1-related disorder. Also called: DPH1-related condition.

Allele frequency attached by ClinVar (database versions not stated): gnomAD 0.00006; TOPMed 0.00007; ESP Exome Variant Server 0.00008; gnomAD exomes 0.00008; ExAC 0.00009; 1000 Genomes Project 30x 0.00016; 1000 Genomes Project 0.00020.
gnomAD v4.1: 118 of 1,613,924 alleles (0.0073%); highest among the groups gnomAD compares: Middle Eastern, 0.017%; no homozygotes.

Submission:

PreventionGenetics, part of Exact Sciences
Classification: Likely benign for DPH1-related condition. Last evaluated: 2019-04-02. Review status: no assertion criteria provided. Collection method: clinical testing. Allele origin: germline.
Comment: This variant is classified as likely benign based on ACMG/AMP sequence variant interpretation guidelines (Richards et al. 2015 PMID: 25741868, with internal and published modifications).

NM_001383.6(DPH1):c.384C>T (p.Tyr128=)

Gene: DPH1 (diphthamide biosynthesis 1; plus strand). Cytogenetic location: 17p13.3.
Variant type: single nucleotide variant.
Coding change: c.384C>T on transcript NM_001383.6 (MANE Select); coding-DNA position 384, C replaced by T.
Protein change: p.Tyr128=; no amino-acid change (tyrosine 128 retained).
Molecular consequence: synonymous variant. On other transcripts: non-coding transcript variant (3), intron variant (1).
Genome position (GRCh38, 1-based): chr17:2,036,075, C>T. VCF-style: chr17-2036075-C-T. GRCh37 (hg19) VCF-style: chr17-1939369-C-T.
Other names: c.399C>T, p.Tyr133= (NM_001346574.1, NM_001346575.1); c.-5-454C>T (NM_001346576.2).
Identifiers: ClinVar variation 3058749 (VCV003058749.2), dbSNP rs187856930, ClinGen allele CA8276951.